The following is an entry in ClinVar:

NM_001267550.2(TTN):c.50230C>G (p.Leu16744Val)

Genes: TTN-AS1 (TTN antisense RNA 1; plus strand), TTN (titin; minus strand). Cytogenetic location: 2q31.2.
Variant type: single nucleotide variant.
Coding change: c.50230C>G on transcript NM_001267550.2 (MANE Select); coding-DNA position 50230, C replaced by G.
Protein change: p.Leu16744Val; replaces leucine 16744 with valine.
Molecular consequence: missense variant.
Genome position (GRCh38, 1-based): chr2:178,612,295, G>C on the plus strand (C>G on the coding strand, the complement: TTN is on the minus strand). VCF-style: chr2-178612295-G-C. GRCh37 (hg19) VCF-style: chr2-179477022-G-C.
Other names: c.45307C>G, p.Leu15103Val (NM_001256850.1); c.23035C>G, p.Leu7679Val (NM_003319.4); c.42526C>G, p.Leu14176Val (NM_133378.4); c.23410C>G, p.Leu7804Val (NM_133432.3); c.23611C>G, p.Leu7871Val (NM_133437.4); short protein forms L16744V, L7679V, L15103V, L7804V, L7871V, L14176V.
Identifiers: ClinVar variation 518930 (VCV000518930.5), dbSNP rs1553698214, ClinGen allele CA349597964.
Genomic context (GRCh38, chr2:178,612,295, plus strand): 5'-CGAGAGCACTTATTGTCACAAAGATTAAGTGCAAGAGCATACTAAAGGTGTCTTTGGCCA[G>C]CACAGAGTCCTCAATTTCGGTGTAGTCGCTTTGTCCTATAGCATTTTCTGCAGCAACTCG-3'
Protein context (NP_001254479.2, residues 16734-16754): SDYTEIEDSV[Leu16744Val]AKDTFTTPGP

ClinVar aggregate classification (germline): Uncertain significance (1 of 4 stars; one submission).

Conditions:
Cardiovascular phenotype. Identifiers: MedGen CN230736.

Submission:

Ambry Genetics
Classification: Uncertain significance for Cardiovascular phenotype. Last evaluated: 2016-07-14. Review status: criteria provided, single submitter. Criteria: Ambry Variant Classification Scheme 2023. Collection method: clinical testing. Allele origin: germline.
Comment: The p.L7679V variant (also known as c.23035C>G), located in coding exon 93 of the TTN gene, results from a C to G substitution at nucleotide position 23035. The leucine at codon 7679 is replaced by valine, an amino acid with highly similar properties, and is located in the A-band region of the N2-B isoform of the titin protein. This variant was not reported in population-based cohorts in the following databases: Database of Single Nucleotide Polymorphisms (dbSNP), Exome Aggregation Consortium (ExAC), NHLBI Exome Sequencing Project (ESP), and 1000 Genomes Project. In the ESP, this variant was not observed in 6082 samples (12164 alleles) with coverage at this position. This amino acid position is highly conserved in available vertebrate species. In addition, this alteration is predicted to be tolerated by in silico analysis. Since supporting evidence is limited at this time, the clinical significance of this alteration remains unclear.